The following is an entry in ClinVar:

ClinVar aggregate classification (germline): Uncertain significance (1 of 4 stars; one submission).

Conditions:
Aicardi-Goutieres syndrome 3. Identifiers: Orphanet 51, MedGen C1835916, MONDO:0012471, OMIM 610329.

Submission:

Labcorp Genetics (formerly Invitae), Labcorp
Classification: Uncertain significance for Aicardi-Goutieres syndrome 3. Last evaluated: 2022-03-23. Review status: criteria provided, single submitter. Criteria: Invitae Variant Classification Sherloc (09022015). Collection method: clinical testing. Allele origin: germline.
Comment: In summary, the available evidence is currently insufficient to determine the role of this variant in disease. Therefore, it has been classified as a Variant of Uncertain Significance. This variant has not been reported in the literature in individuals affected with RNASEH2C-related conditions. This variant is present in population databases (no rsID available, gnomAD 0.01%). This sequence change creates a premature translational stop signal (p.Lys89Glyfs*15) in the RNASEH2C gene. It is expected to result in an absent or disrupted protein product. However, the current clinical and genetic evidence is not sufficient to establish whether loss-of-function variants in RNASEH2C cause disease.

NM_032193.4(RNASEH2C):c.264_268del (p.Lys89fs)

Gene: RNASEH2C (ribonuclease H2 subunit C; minus strand). Cytogenetic location: 11q13.1.
Variant type: Microsatellite.
Coding change: c.264_268del on transcript NM_032193.4 (MANE Select); coding-DNA positions 264 to 268, 5 bases deleted (GAAGA; older notation c.264_268delGAAGA).
Protein change: p.Lys89fs; shifts the reading frame from lysine 89.
Molecular consequence: frameshift variant.
Genome position (GRCh38, 1-based): chr11:65,720,322-65,720,326, TCTTC deleted on the plus strand (GAAGA on the coding strand, the reverse complement: RNASEH2C is on the minus strand); deleting any 5 consecutive bases within chr11:65,720,322-65,720,332 gives the same sequence; the c. name uses the placement nearest the transcript's 3' end. VCF-style (leftmost placement, unchanged base first): chr11-65720321-TTCTTC-T. GRCh37 (hg19) VCF-style: chr11-65487792-TTCTTC-T.
Other names: c.258_262AGAAG[1], p.Glu88Glyfs (NM_032193.3); short protein forms K89fs.
Identifiers: ClinVar variation 1981256 (VCV001981256.3), dbSNP rs1200334062, ClinGen allele CA600229017.